The following is an entry in ClinVar:

ClinVar aggregate classification (germline): Uncertain significance. Review status: criteria provided, multiple submitters, no conflicts (2 of 4 stars). 3 submissions from 3 submitters: Uncertain significance (3). Last evaluated 2025-12-03.

Submissions (3):

Women's Health and Genetics/Laboratory Corporation of America, LabCorp
Classification: Uncertain significance. Last evaluated: 2025-12-03. Review status: criteria provided, single submitter. Criteria: LabCorp Variant Classification Summary - May 2015. Collection method: clinical testing. Allele origin: germline.
Comment: Variant summary: HK1 c.1732A>G (p.Ile578Val) results in a conservative amino acid change in the encoded protein sequence. Algorithms developed to predict the effect of missense changes on protein structure and function are either unavailable or do not agree on the potential impact of this missense change. The variant was absent in 251496 control chromosomes (gnomAD). The available data on variant occurrences in the general population are insufficient to allow any conclusion about variant significance. To our knowledge, no occurrence of c.1732A>G in individuals affected with HK1-related conditions and no experimental evidence demonstrating its impact on protein function have been reported. ClinVar contains an entry for this variant (Variation ID: 2498462). Based on the evidence outlined above, the variant was classified as uncertain significance.

Labcorp Genetics (formerly Invitae), Labcorp
Classification: Uncertain significance. Last evaluated: 2023-04-17. Review status: criteria provided, single submitter. Criteria: Invitae Variant Classification Sherloc (09022015). Collection method: clinical testing. Allele origin: germline.
Comment: Advanced modeling of protein sequence and biophysical properties (such as structural, functional, and spatial information, amino acid conservation, physicochemical variation, residue mobility, and thermodynamic stability) performed at Invitae indicates that this missense variant is not expected to disrupt HK1 protein function. This sequence change replaces isoleucine, which is neutral and non-polar, with valine, which is neutral and non-polar, at codon 578 of the HK1 protein (p.Ile578Val). This variant is not present in population databases (gnomAD no frequency). This variant has not been reported in the literature in individuals affected with HK1-related conditions. In summary, the available evidence is currently insufficient to determine the role of this variant in disease. Therefore, it has been classified as a Variant of Uncertain Significance.

CeGaT Center for Human Genetics Tuebingen
Classification: Uncertain significance. Last evaluated: 2023-01-01. Review status: criteria provided, single submitter. Criteria: CeGaT Center For Human Genetics Tuebingen Variant Classification Criteria Version 2. Collection method: clinical testing. Allele origin: germline. Affected: yes. Observed: 1 variant allele.
Comment: HK1: PM2, PP2

NM_000188.3(HK1):c.1732A>G (p.Ile578Val)

Gene: HK1 (hexokinase 1; plus strand). Cytogenetic location: 10q22.1.
Variant type: single nucleotide variant.
Coding change: c.1732A>G on transcript NM_000188.3 (MANE Select); coding-DNA position 1732, A replaced by G.
Protein change: p.Ile578Val; replaces isoleucine 578 with valine.
Molecular consequence: missense variant.
Genome position (GRCh38, 1-based): chr10:69,384,808, A>G. VCF-style: chr10-69384808-A-G. GRCh37 (hg19) VCF-style: chr10-71144564-A-G.
Other names: c.1744A>G, p.Ile582Val (NM_001322364.2, NM_001358263.1, NM_033497.3 and 1 more transcripts); c.1837A>G, p.Ile613Val (NM_001322365.2); c.1648A>G, p.Ile550Val (NM_001322366.1); c.1636A>G, p.Ile546Val (NM_001322367.1); c.1729A>G, p.Ile577Val (NM_033496.3); c.1696A>G, p.Ile566Val (NM_033500.2); short protein forms I546V, I550V, I566V, I577V, I578V, I582V, I613V.
Identifiers: ClinVar variation 2498462 (VCV002498462.32), dbSNP rs2540432223, ClinGen allele CA376911869.